The following is an entry in ClinVar:

NM_000548.5(TSC2):c.5068+1G>T

Gene: TSC2 (TSC complex subunit 2; plus strand). Cytogenetic location: 16p13.3.
Variant type: single nucleotide variant.
Coding change: c.5068+1G>T on transcript NM_000548.5 (MANE Select); the canonical splice donor site of the intron after coding-DNA position 5068, G replaced by T.
Molecular consequence: splice donor variant.
Genome position (GRCh38, 1-based): chr16:2,087,942, G>T. VCF-style: chr16-2087942-G-T. GRCh37 (hg19) VCF-style: chr16-2137943-G-T.
Other names: c.4468+1G>T (NM_001406680.1); c.4399+1G>T (NM_001406683.1, NM_001406682.1); c.4267+1G>T (NM_001406687.1, NM_001406688.1); c.3655+1G>T (NM_001406689.1); c.3595+1G>T (NM_001406690.1); c.3526+1G>T (NM_001406692.1, NM_001406694.1, NM_001406693.1); c.3592+1G>T (NM_001406691.1); c.3523+1G>T (NM_001406697.1, NM_001406695.1, NM_001406696.1); and 26 more.
Identifiers: ClinVar variation 648950 (VCV000648950.9), dbSNP rs45445199, ClinGen allele CA394311746.

ClinVar aggregate classification (germline): Pathogenic (1 of 4 stars; one submission).

Conditions:
Tuberous sclerosis 2 (TSC2). Identifiers: Orphanet 805, MedGen C1860707, MONDO:0013199, OMIM 613254.

Submission:

Labcorp Genetics (formerly Invitae), Labcorp
Classification: Pathogenic for Tuberous sclerosis 2. Last evaluated: 2024-02-26. Review status: criteria provided, single submitter. Criteria: Invitae Variant Classification Sherloc (09022015). Collection method: clinical testing. Allele origin: germline.
Comment: This sequence change affects a donor splice site in intron 39 of the TSC2 gene. It is expected to disrupt RNA splicing. Variants that disrupt the donor or acceptor splice site typically lead to a loss of protein function (PMID: 16199547), and loss-of-function variants in TSC2 are known to be pathogenic (PMID: 10205261, 17304050). This variant is not present in population databases (gnomAD no frequency). Disruption of this splice site has been observed in individuals with tuberous sclerosis complex (PMID: 21520333, 25782670). ClinVar contains an entry for this variant (Variation ID: 648950). Algorithms developed to predict the effect of sequence changes on RNA splicing suggest that this variant may disrupt the consensus splice site. For these reasons, this variant has been classified as Pathogenic.

Literature cited by the submitters: PubMed 16199547; PubMed 10205261; PubMed 17304050; PubMed 21520333; PubMed 25782670.